The following is an entry in ClinVar:

ClinVar aggregate classification (germline): Uncertain significance (1 of 4 stars; one submission).

Conditions:
SCAPER-related disorder. Also called: SCAPER-related condition.

Submission:

PreventionGenetics, part of Exact Sciences
Classification: Uncertain significance for SCAPER-related condition. Last evaluated: 2025-03-12. Review status: criteria provided, single submitter. Criteria: ACMG Guidelines, 2015. Collection method: clinical testing. Allele origin: germline.
Comment: The SCAPER c.4011C>G variant is predicted to result in the amino acid substitution p.Asn1337Lys. To our knowledge, this variant has not been reported in the literature or in a large population database (gnomAD), indicating this variant is rare. At this time, the clinical significance of this variant is uncertain due to the absence of conclusive functional and genetic evidence.

NM_020843.4(SCAPER):c.3993C>G (p.Asn1331Lys)

Gene: SCAPER (S-phase cyclin A associated protein in the ER; minus strand). Cytogenetic location: 15q24.3.
Variant type: single nucleotide variant.
Coding change: c.3993C>G on transcript NM_020843.4 (MANE Select); coding-DNA position 3993, C replaced by G.
Protein change: p.Asn1331Lys; replaces asparagine 1331 with lysine.
Molecular consequence: missense variant. On other transcripts: non-coding transcript variant (1).
Genome position (GRCh38, 1-based): chr15:76,354,003, G>C on the plus strand (C>G on the coding strand, the complement: SCAPER is on the minus strand). VCF-style: chr15-76354003-G-C. GRCh37 (hg19) VCF-style: chr15-76646344-G-C.
Other names: c.3255C>G, p.Asn1085Lys (NM_001145923.2); c.4011C>G, p.Asn1337Lys (NM_001353009.2); c.3591C>G, p.Asn1197Lys (NM_001353010.2, NM_001353012.2); c.3609C>G, p.Asn1203Lys (NM_001353011.2); short protein forms N1203K, N1331K, N1197K, N1337K, N1085K.
Identifiers: ClinVar variation 5000932 (VCV005000932.1).